The following is an entry in ClinVar:

ClinVar aggregate classification (germline): Likely benign. Review status: reviewed by expert panel (3 of 4 stars). 6 submissions from 6 submitters: Likely benign (1). 5 of the submissions do not count toward it. Last evaluated 2023-08-18.

Conditions:
CDH1-related diffuse gastric and lobular breast cancer syndrome. Also called: CDH1-related diffuse gastric and lobular breast cancer. Identifiers: MedGen CN311521, MONDO:0100488.
Hereditary cancer-predisposing syndrome. Also called: Neoplastic Syndromes, Hereditary; Hereditary Cancer Syndrome; Hereditary neoplastic syndrome; Tumor predisposition. Identifiers: Orphanet 140162, MedGen C0027672, MeSH D009386, MONDO:0015356.
Hereditary diffuse gastric adenocarcinoma (HDGC). Also called: DIFFUSE GASTRIC AND LOBULAR BREAST CANCER SYNDROME. Identifiers: Orphanet 26106, MedGen C1708349, MONDO:0007648, OMIM 137215.

Submissions (6):

Clingen Gastric Cancer Variant Curation Expert Panel
Classification: Likely benign for CDH1-related diffuse gastric and lobular breast cancer syndrome. Last evaluated: 2023-08-18. Review status: reviewed by expert panel. Criteria: ClinGen CDH1 ACMG Specifications V3.1. Collection method: curation. Allele origin: germline. Inheritance: Autosomal dominant inheritance.
Comment: The c.32_34TGC[7] (p.Leu14_Leu15dup) variant results in an in-frame insertion in exon 1. This variant has a frequency of 0.0008% in gnomAD (1 of 124,448) (PM2_Supporting). However, this region has poor coverage and allele frequency estimates may not be reliable. This variant has also been identified in at least ten individuals without DGC, SRC tumours and LBC and whose families do not suggest HDGC (BS2, SCV000569203.4, SCV000186596.5, SCV000545430.4). In summary, this variant meets criteria to be classified as likely benign based on ACMG/AMP criteria applied as specified by the CDH1 Variant Curation Expert Panel (Variant Interpretation Guidelines Version 3.1): BS2, PM2_Supporting.

Labcorp Genetics (formerly Invitae), Labcorp
Classification: Likely benign for Hereditary diffuse gastric adenocarcinoma. Last evaluated: 2026-01-19. Review status: criteria provided, single submitter. Criteria: Invitae Variant Classification Sherloc (09022015). Collection method: clinical testing. Allele origin: germline. Not counted in ClinVar's aggregate classification.

Color Diagnostics, LLC DBA Color Health
Classification: Likely benign for Hereditary cancer-predisposing syndrome. Last evaluated: 2024-09-09. Review status: criteria provided, single submitter. Criteria: ACMG Guidelines, 2015. Collection method: clinical testing. Allele origin: germline. Not counted in ClinVar's aggregate classification.

Ambry Genetics
Classification: Likely benign for Hereditary cancer-predisposing syndrome. Last evaluated: 2023-06-28. Review status: criteria provided, single submitter. Criteria: Ambry Variant Classification Scheme 2023. Collection method: clinical testing. Allele origin: germline. Not counted in ClinVar's aggregate classification.

European Reference Network on Genetic Tumour Risk Syndromes (ERN-GENTURIS), i3s - Instituto de Investigação e Inovação em Saúde, University of Porto
Classification: Likely benign for Hereditary diffuse gastric adenocarcinoma. Last evaluated: 2022-08-01. Review status: criteria provided, single submitter. Criteria: Lee et al. (Hum Mutat. 2018). Collection method: clinical testing. Allele origin: germline. Inheritance: Autosomal dominant inheritance. Affected: no. Study: ERN GENTURIS. Not counted in ClinVar's aggregate classification.
Comment: BS2, PM2 (PMID: 30311375)

GeneDx
Classification: Likely benign. Last evaluated: 2020-11-13. Review status: criteria provided, single submitter. Criteria: GeneDx Variant Classification Process June 2021. Collection method: clinical testing. Allele origin: germline. Affected: yes. Not counted in ClinVar's aggregate classification.
Comment: Not observed in large population cohorts (Lek et al., 2016); In-frame insertion of 2 amino acids in a repetitive region with no known function; Has not been previously published as pathogenic or benign to our knowledge

Literature cited by the submitters: PubMed 36436516 (cited by Ambry Genetics and European Reference Network on Genetic Tumour Risk Syndromes (ERN-GENTURIS), i3s - Instituto de Investigação e Inovação em Saúde, University of Porto).

NM_004360.5(CDH1):c.32TGC[7] (p.Leu14_Leu15dup)

Gene: CDH1 (cadherin 1; plus strand). Cytogenetic location: 16q22.1.
Variant type: Microsatellite.
Coding change: c.32TGC[7] on transcript NM_004360.5 (MANE Select); seven copies in a row of the 3-base unit TGC starting at c.32; the reference has five copies in a row; two copies, 6 bases duplicated; also written c.41_46dup.
Protein change: p.Leu14_Leu15dup.
Molecular consequence: inframe insertion. On other transcripts: 5 prime UTR variant (2).
Genome position (GRCh38, 1-based): chr16:68,737,456-68,737,461, TGCTGC duplicated; duplicating any 6 consecutive bases within chr16:68,737,445-68,737,461 gives the same sequence; the position shown is the placement nearest the transcript's 3' end. VCF-style (leftmost placement, unchanged base first): chr16-68737444-C-CGCTGCT. GRCh37 (hg19) VCF-style: chr16-68771347-C-CGCTGCT.
Other names: c.41_46dup (NM_004360.3, NM_004360.4, NM_004360.5); c.32_34TGC[7] (NM_004360.5); c.32TGC[7], p.Leu14_Leu15dup (NM_001317184.2); c.-1584TGC[7] (NM_001317185.2); c.-1788TGC[7] (NM_001317186.2); c.32_46TGC[7] (NM_004360.4).
Identifiers: ClinVar variation 142455 (VCV000142455.25), dbSNP rs587782476, ClinGen allele CA168401.